The following is an entry in ClinVar:

ClinVar aggregate classification (germline): Uncertain significance (1 of 4 stars; one submission).

Conditions:
Inborn genetic diseases. Identifiers: MedGen C0950123, MeSH D030342.

Submission:

Ambry Genetics
Classification: Uncertain significance for Inborn genetic diseases. Last evaluated: 2026-04-08. Review status: criteria provided, single submitter. Criteria: Ambry Variant Classification Scheme 2023. Collection method: clinical testing. Allele origin: germline.
Comment: The p.Q423H variant (also known as c.1269G>T), located in coding exon 6 of the SH2B3 gene, results from a G to T substitution at nucleotide position 1269. The glutamine at codon 423 is replaced by histidine, an amino acid with highly similar properties. This amino acid position is conserved. In addition, this alteration is predicted to be tolerated by in silico analysis. Based on the available evidence, the clinical significance of this variant remains unclear.

NM_005475.3(SH2B3):c.1269G>T (p.Gln423His)

Gene: SH2B3 (SH2B adaptor protein 3; plus strand). Cytogenetic location: 12q24.12.
Variant type: single nucleotide variant.
Coding change: c.1269G>T on transcript NM_005475.3 (MANE Select); coding-DNA position 1269, G replaced by T.
Protein change: p.Gln423His; replaces glutamine 423 with histidine.
Molecular consequence: missense variant.
Genome position (GRCh38, 1-based): chr12:111,447,688, G>T. VCF-style: chr12-111447688-G-T. GRCh37 (hg19) VCF-style: chr12-111885492-G-T.
Other names: c.663G>T, p.Gln221His (NM_001291424.1); short protein forms Q221H, Q423H.
Identifiers: ClinVar variation 4864413 (VCV004864413.1).
Genomic context (GRCh38, chr12:111,447,688, plus strand): 5'-CCGAGCCCACCATCCTCTCCTCCCACAGCACCTGCGCCTGTCGCTGACAGAGCGGGGCCA[G>T]TGCCGTGTGCAGCACCTCCACTTTCCCTCGGTCGTGGACATGCTCCACCACTTCCAGCGC-3'
Protein context (NP_005466.1, residues 413-433): HLRLSLTERG[Gln423His]CRVQHLHFPS